The following is an entry in ClinVar:

NM_000089.4(COL1A2):c.3836T>C (p.Met1279Thr)

Gene: COL1A2 (collagen type I alpha 2 chain; plus strand). Cytogenetic location: 7q21.3.
Variant type: single nucleotide variant.
Coding change: c.3836T>C on transcript NM_000089.4 (MANE Select); coding-DNA position 3836, T replaced by C.
Protein change: p.Met1279Thr; replaces methionine 1279 with threonine.
Molecular consequence: missense variant.
Genome position (GRCh38, 1-based): chr7:94,429,312, T>C. VCF-style: chr7-94429312-T-C. GRCh37 (hg19) VCF-style: chr7-94058624-T-C.
Other names: short protein forms M1279T.
Identifiers: ClinVar variation 2072576 (VCV002072576.5), dbSNP rs747495679, ClinGen allele CA4347863.

ClinVar aggregate classification (germline): Uncertain significance (1 of 4 stars; one submission).

Conditions:
Osteogenesis imperfecta (OI). Identifiers: Orphanet 666, MedGen C0029434, MeSH D010013, MONDO:0019019.
Osteogenesis Imperfecta, Recessive.
Ehlers-Danlos syndrome, arthrochalasia type. Also called: ARTHROCHALASIS MULTIPLEX CONGENITA; EDS VII, MUTANT PROCOLLAGEN TYPE; EDS VIIA; Ehlers-Danlos syndrome, arthrochalasia type, 1; Ehlers-Danlos syndrome, arthrochalasis type. Identifiers: Orphanet 1899, Orphanet 99875, Orphanet 99876, MedGen C4551623, MONDO:0007525, OMIM 130060.
Ehlers-Danlos syndrome, cardiac valvular type. Identifiers: Orphanet 230851, MedGen C4303789, MONDO:0009159, OMIM 225320.
Ehlers-Danlos syndrome, classic type, 1 (EDSCL1). Also called: EHLERS-DANLOS SYNDROME, GRAVIS TYPE; EHLERS-DANLOS SYNDROME, SEVERE CLASSIC TYPE; Ehlers-Danlos syndrome, type 1; EDS I; Ehlers-Danlos Syndrome, Classic Type, COL5A1-Related. Identifiers: MedGen C0268335, MONDO:0019567, OMIM 130000.
Osteogenesis imperfecta type I (OI1). Also called: OI, TYPE I; OSTEOGENESIS IMPERFECTA TARDA; OSTEOGENESIS IMPERFECTA WITH BLUE SCLERAE; Osteogenesis imperfecta type 1; Lobstein's Disease; Lobstein disease. Identifiers: Orphanet 216796, Orphanet 666, MedGen C0023931, MONDO:0008146, OMIM 166200. Disease mechanism: loss of function.

Allele frequency attached by ClinVar (database versions not stated): TOPMed below 0.00001; ExAC 0.00001.

Submission:

Labcorp Genetics (formerly Invitae), Labcorp
Classification: Uncertain significance for Osteogenesis imperfecta type I; Ehlers-Danlos syndrome, classic type, 1. Last evaluated: 2025-10-29. Review status: criteria provided, single submitter. Criteria: Invitae Variant Classification Sherloc (09022015). Collection method: clinical testing. Allele origin: germline.
Comment: This sequence change replaces methionine, which is neutral and non-polar, with threonine, which is neutral and polar, at codon 1279 of the COL1A2 protein (p.Met1279Thr). This variant is present in population databases (rs747495679, gnomAD 0.0009%). This variant has not been reported in the literature in individuals affected with COL1A2-related conditions. ClinVar contains an entry for this variant (Variation ID: 2072576). Invitae Evidence Modeling of protein sequence and biophysical properties (such as structural, functional, and spatial information, amino acid conservation, physicochemical variation, residue mobility, and thermodynamic stability) has been performed for this missense variant. However, the output from this modeling did not meet the statistical confidence thresholds required to predict the impact of this variant on COL1A2 protein function. In summary, the available evidence is currently insufficient to determine the role of this variant in disease. Therefore, it has been classified as a Variant of Uncertain Significance.